The following is an entry in ClinVar:

ClinVar aggregate classification (germline): Uncertain significance. Review status: criteria provided, multiple submitters, no conflicts (2 of 4 stars). 2 submissions from 2 submitters: Uncertain significance (2). Last evaluated 2026-01-18.

Conditions:
Inborn genetic diseases. Identifiers: MedGen C0950123, MeSH D030342.

Allele frequency attached by ClinVar (database versions not stated): ESP Exome Variant Server 0.00008; gnomAD 0.00004; ExAC 0.00002; gnomAD exomes 0.00004; TOPMed 0.00005.
gnomAD v4.1: 62 of 1,608,796 alleles (0.0039%); highest among the groups gnomAD compares: Non-Finnish European, 0.0053%; no homozygotes.

Submissions (2):

Labcorp Genetics (formerly Invitae), Labcorp
Classification: Uncertain significance. Last evaluated: 2026-01-18. Review status: criteria provided, single submitter. Criteria: Invitae Variant Classification Sherloc (09022015). Collection method: clinical testing. Allele origin: germline.
Comment: This sequence change replaces serine, which is neutral and polar, with phenylalanine, which is neutral and non-polar, at codon 326 of the ADCY5 protein (p.Ser326Phe). This variant is present in population databases (rs374131018, gnomAD 0.006%). This variant has not been reported in the literature in individuals affected with ADCY5-related conditions. ClinVar contains an entry for this variant (Variation ID: 2218806). Invitae Evidence Modeling of protein sequence and biophysical properties (such as structural, functional, and spatial information, amino acid conservation, physicochemical variation, residue mobility, and thermodynamic stability) has been performed for this missense variant. However, the output from this modeling did not meet the statistical confidence thresholds required to predict the impact of this variant on ADCY5 protein function. In summary, the available evidence is currently insufficient to determine the role of this variant in disease. Therefore, it has been classified as a Variant of Uncertain Significance.

Ambry Genetics
Classification: Uncertain significance for Inborn genetic diseases. Last evaluated: 2025-10-22. Review status: criteria provided, single submitter. Criteria: Ambry Variant Classification Scheme 2023. Collection method: clinical testing. Allele origin: germline.

NM_183357.3(ADCY5):c.977C>T (p.Ser326Phe)

Gene: ADCY5 (adenylate cyclase 5; minus strand). Cytogenetic location: 3q21.1.
Variant type: single nucleotide variant.
Coding change: c.977C>T on transcript NM_183357.3 (MANE Select); coding-DNA position 977, C replaced by T.
Protein change: p.Ser326Phe; replaces serine 326 with phenylalanine.
Molecular consequence: missense variant.
Genome position (GRCh38, 1-based): chr3:123,447,569, G>A on the plus strand (C>T on the coding strand, the complement: ADCY5 is on the minus strand). VCF-style: chr3-123447569-G-A. GRCh37 (hg19) VCF-style: chr3-123166416-G-A.
Other names: c.977C>T, p.Ser326Phe (NM_001378259.1); short protein forms S326F.
Identifiers: ClinVar variation 2218806 (VCV002218806.5), dbSNP rs374131018, ClinGen allele CA2577599.